The following is an entry in ClinVar:

NM_001286.5(CLCN6):c.120T>G (p.Asp40Glu)

Gene: CLCN6 (chloride voltage-gated channel 6; plus strand). Cytogenetic location: 1p36.22.
Variant type: single nucleotide variant.
Coding change: c.120T>G on transcript NM_001286.5 (MANE Select); coding-DNA position 120, T replaced by G.
Protein change: p.Asp40Glu; replaces aspartic acid 40 with glutamic acid.
Molecular consequence: missense variant. On other transcripts: non-coding transcript variant (1).
Genome position (GRCh38, 1-based): chr1:11,807,163, T>G. VCF-style: chr1-11807163-T-G. GRCh37 (hg19) VCF-style: chr1-11867220-T-G.
Other names: c.120T>G, p.Asp40Glu (NM_001256959.2); short protein forms D40E.
Identifiers: ClinVar variation 1449303 (VCV001449303.7), dbSNP rs377627467, ClinGen allele CA595892.
Genomic context (GRCh38, chr1:11,807,163, plus strand): 5'-GGCTCCCTCTGCGGATCTGTTTTTCTAGACCATCCTTGGAGAAACACAGGAGGAGGAGGA[T>G]GAGATTCTTCCAAGGAAAGACTATGAGGTGAGCTCCTTTGATACTGCTTGGGCAACTAAA-3'
Protein context (NP_001277.2, residues 30-50): TILGETQEEE[Asp40Glu]EILPRKDYES

ClinVar aggregate classification (germline): Uncertain significance (1 of 4 stars; one submission).

Submission:

Labcorp Genetics (formerly Invitae), Labcorp
Classification: Uncertain significance. Last evaluated: 2025-08-30. Review status: criteria provided, single submitter. Criteria: Invitae Variant Classification Sherloc (09022015). Collection method: clinical testing. Allele origin: germline.
Comment: This sequence change replaces aspartic acid, which is acidic and polar, with glutamic acid, which is acidic and polar, at codon 40 of the CLCN6 protein (p.Asp40Glu). This variant is present in population databases (rs377627467, gnomAD 0.004%). This variant has not been reported in the literature in individuals affected with CLCN6-related conditions. ClinVar contains an entry for this variant (Variation ID: 1449303). An algorithm developed to predict the effect of missense changes on protein structure and function (PolyPhen-2) suggests that this variant is likely to be tolerated. In summary, the available evidence is currently insufficient to determine the role of this variant in disease. Therefore, it has been classified as a Variant of Uncertain Significance.